The following is an entry in ClinVar:

ClinVar aggregate classification (germline): Conflicting classifications of pathogenicity. Review status: criteria provided, conflicting classifications (1 of 4 stars). 5 submissions from 5 submitters: Uncertain significance (3); Likely benign (2). Last evaluated 2025-12-21.

Conditions:
Cardiovascular phenotype. Identifiers: MedGen CN230736.
Long QT syndrome (LQTS). Identifiers: MedGen C0023976, MeSH D008133, MONDO:0002442. Disease mechanism: loss of function. Inheritance: Various modes of inheritance.
Long QT syndrome 12 (LQT12). Identifiers: Orphanet 101016, Orphanet 768, MedGen C2751830, MONDO:0013062, OMIM 612955.

Allele frequency attached by ClinVar (database versions not stated): gnomAD 0.00019 and 0.00020; TOPMed 0.00020; gnomAD exomes 0.00020 and 0.00021; ExAC 0.00021; ESP Exome Variant Server 0.00023.
gnomAD v4.1: 331 of 1,613,976 alleles (0.021%); highest among the groups gnomAD compares: Non-Finnish European, 0.026%; no homozygotes.

Submissions (5):

Labcorp Genetics (formerly Invitae), Labcorp
Classification: Uncertain significance for Long QT syndrome. Last evaluated: 2025-12-21. Review status: criteria provided, single submitter. Criteria: Invitae Variant Classification Sherloc (09022015). Collection method: clinical testing. Allele origin: germline.
Comment: This sequence change replaces serine, which is neutral and polar, with leucine, which is neutral and non-polar, at codon 189 of the SNTA1 protein (p.Ser189Leu). This variant is present in population databases (rs144860423, gnomAD 0.04%). This missense change has been observed in individual(s) with atrial fibrillation, arrhythmogenic right ventricular cardiomyopathy, sudden infant death syndrome, and sudden cardiac arrest (PMID: 28074886, 28837624, 30847666, 30975432). ClinVar contains an entry for this variant (Variation ID: 263623). Invitae Evidence Modeling of protein sequence and biophysical properties (such as structural, functional, and spatial information, amino acid conservation, physicochemical variation, residue mobility, and thermodynamic stability) indicates that this missense variant is not expected to disrupt SNTA1 protein function with a negative predictive value of 80%. In summary, the available evidence is currently insufficient to determine the role of this variant in disease. Therefore, it has been classified as a Variant of Uncertain Significance.

GeneDx
Classification: Uncertain significance. Last evaluated: 2025-01-13. Review status: criteria provided, single submitter. Criteria: GeneDx Variant Classification Process June 2021. Collection method: clinical testing. Allele origin: germline. Affected: yes.
Comment: Identified in patients with lone atrial fibrillation, unspecified arrhythmia, ARVC, and/or sudden cardiac death (PMID: 28837624, 28341588, 30847666); several patients harbored additional cardiogenetic variants thought to contribute to disease; Identified in a cohort of stillbirth cases without chromosomal abnormalities in published literature (PMID: 30615648); In silico analysis indicates that this missense variant does not alter protein structure/function; This variant is associated with the following publications: (PMID: 28837624, 30847666, 30975432, 28074886, 32032478, 28341588, 30615648)

Ambry Genetics
Classification: Likely benign for Cardiovascular phenotype. Last evaluated: 2022-03-28. Review status: criteria provided, single submitter. Criteria: Ambry Variant Classification Scheme 2023. Collection method: clinical testing. Allele origin: germline.

Illumina Laboratory Services, Illumina
Classification: Uncertain significance for Long QT syndrome 12. Last evaluated: 2018-03-30. Review status: criteria provided, single submitter. Criteria: ICSL Variant Classification Criteria 13 December 2019. Collection method: clinical testing. Allele origin: germline.

Women's Health and Genetics/Laboratory Corporation of America, LabCorp
Classification: Likely benign. Last evaluated: 2016-04-26. Review status: criteria provided, single submitter. Criteria: LabCorp Variant Classification Summary - May 2015. Collection method: clinical testing. Allele origin: germline.
Comment: Variant summary: The c.566C>T in SNTA1 gene is a missense change that alters a highly conserved nucleotide and 3/4 in silico tools predict deleterious outcome. The variant was observed in the large and broad cohorts of the ExAC project at an allele frequency of 0.02%, predominantly in individuals of European descent (0.03%). These frequencies exceed the maximal expected allele frequency for a pathogenic variant in SNTA1 gene (0.001%). The variant of interest has not, to our knowledge, been reported in affected individuals in published reports or cited by a reputable database/diagnostic center. Taking together, the variant was classified as Likely Benign.

Literature cited by the submitters: PubMed 28074886 (cited by Labcorp Genetics (formerly Invitae), Labcorp and Ambry Genetics); PubMed 28837624 (cited by Labcorp Genetics (formerly Invitae), Labcorp and Ambry Genetics); PubMed 30847666 (cited by Labcorp Genetics (formerly Invitae), Labcorp and Ambry Genetics); PubMed 30975432 (cited by Labcorp Genetics (formerly Invitae), Labcorp and Ambry Genetics); PubMed 28341588 (cited by Ambry Genetics); PubMed 30615648 (cited by Ambry Genetics); PubMed 32032478 (cited by Ambry Genetics).

NM_003098.3(SNTA1):c.566C>T (p.Ser189Leu)

Gene: SNTA1 (syntrophin alpha 1; minus strand). Cytogenetic location: 20q11.21.
Variant type: single nucleotide variant.
Coding change: c.566C>T on transcript NM_003098.3 (MANE Select); coding-DNA position 566, C replaced by T.
Protein change: p.Ser189Leu; replaces serine 189 with leucine.
Molecular consequence: missense variant.
Genome position (GRCh38, 1-based): chr20:33,417,854, G>A on the plus strand (C>T on the coding strand, the complement: SNTA1 is on the minus strand). VCF-style: chr20-33417854-G-A. GRCh37 (hg19) VCF-style: chr20-32005660-G-A.
Other names: short protein forms S189L.
Identifiers: ClinVar variation 263623 (VCV000263623.33), dbSNP rs144860423, ClinGen allele CA9817191.